The following is an entry in ClinVar:

ClinVar aggregate classification (germline): Uncertain significance (1 of 4 stars; one submission).

Submission:

Labcorp Genetics (formerly Invitae), Labcorp
Classification: Uncertain significance. Last evaluated: 2021-09-24. Review status: criteria provided, single submitter. Criteria: Invitae Variant Classification Sherloc (09022015). Collection method: clinical testing. Allele origin: germline.
Comment: This variant, c.10004_10006del, results in the deletion of 1 amino acid(s) of the ASPM protein (p.Ala3335del), but otherwise preserves the integrity of the reading frame. This variant is not present in population databases (ExAC no frequency). This variant has not been reported in the literature in individuals with ASPM-related conditions. Experimental studies and prediction algorithms are not available or were not evaluated, and the functional significance of this variant is currently unknown. In summary, the available evidence is currently insufficient to determine the role of this variant in disease. Therefore, it has been classified as a Variant of Uncertain Significance.

NM_018136.5(ASPM):c.10001CAG[1] (p.Ala3335del)

Gene: ASPM (assembly factor for spindle microtubules; minus strand). Cytogenetic location: 1q31.3.
Variant type: Microsatellite.
Coding change: c.10001CAG[1] on transcript NM_018136.5 (MANE Select); one copy of the 3-base unit CAG starting at c.10001; the reference has two copies in a row; one copy, 3 bases deleted.
Protein change: p.Ala3335del; deletes alanine 3335.
Molecular consequence: inframe deletion.
Genome position (GRCh38, 1-based): chr1:197,088,411-197,088,413, CTG deleted on the plus strand (CAG on the coding strand, the reverse complement: ASPM is on the minus strand); deleting any 3 consecutive bases within chr1:197,088,411-197,088,416 gives the same sequence; the position shown is the placement nearest the transcript's 3' end. VCF-style (leftmost placement, unchanged base first): chr1-197088410-ACTG-A. GRCh37 (hg19) VCF-style: chr1-197057540-ACTG-A.
Other names: c.5246CAG[1], p.Ala1750del (NM_001206846.2); short protein forms A3335del, A1750del.
Identifiers: ClinVar variation 1480181 (VCV001480181.5), dbSNP rs1329111431, ClinGen allele CA528535062.